The following is an entry in ClinVar:

NM_015338.6(ASXL1):c.233T>G (p.Ile78Ser)

Gene: ASXL1 (ASXL transcriptional regulator 1; plus strand). Cytogenetic location: 20q11.21.
Variant type: single nucleotide variant.
Coding change: c.233T>G on transcript NM_015338.6 (MANE Select); coding-DNA position 233, T replaced by G.
Protein change: p.Ile78Ser; replaces isoleucine 78 with serine.
Molecular consequence: missense variant.
Genome position (GRCh38, 1-based): chr20:32,369,104, T>G. VCF-style: chr20-32369104-T-G. GRCh37 (hg19) VCF-style: chr20-30956907-T-G.
Other names: c.233T>G, p.Ile78Ser (NM_001164603.1); c.203T>G, p.Ile68Ser (NM_001363734.1); short protein forms I68S, I78S.
Identifiers: ClinVar variation 4865088 (VCV004865088.1).
Genomic context (GRCh38, chr20:32,369,104, plus strand): 5'-CTATGCTACATTCCAATTCAAGAGGAGGAGAGGGGTTGTTTTATAAACTGCCTGGCCGAA[T>G]CAGCCTTTTCACGCTCAAGGTAAGTGATATGAACTCTCTTTTGGTGCAGTGATTCTTGGA-3'
Protein context (NP_056153.2, residues 68-88): EGLFYKLPGR[Ile78Ser]SLFTLKKDAL

ClinVar aggregate classification (germline): Uncertain significance (1 of 4 stars; one submission).

Conditions:
Inborn genetic diseases. Identifiers: MedGen C0950123, MeSH D030342.

Submission:

Ambry Genetics
Classification: Uncertain significance for Inborn genetic diseases. Last evaluated: 2026-06-13. Review status: criteria provided, single submitter. Criteria: Ambry Variant Classification Scheme 2023. Collection method: clinical testing. Allele origin: germline.
Comment: The p.I78S variant (also known as c.233T>G), located in coding exon 4 of the ASXL1 gene, results from a T to G substitution at nucleotide position 233. The isoleucine at codon 78 is replaced by serine, an amino acid with dissimilar properties. This amino acid position is conserved. In addition, this alteration is predicted to be tolerated by in silico analysis. Based on the available evidence, the clinical significance of this variant remains unclear.